The following is an entry in ClinVar:

NM_024685.4(BBS10):c.1599_1602del (p.Thr534fs)

Gene: BBS10 (Bardet-Biedl syndrome 10; minus strand). Cytogenetic location: 12q21.2.
Variant type: Deletion.
Coding change: c.1599_1602del on transcript NM_024685.4 (MANE Select); coding-DNA positions 1599 to 1602, 4 bases deleted (AACT; older notation c.1599_1602delAACT).
Protein change: p.Thr534fs; shifts the reading frame from threonine 534.
Molecular consequence: frameshift variant.
Genome position (GRCh38, 1-based): chr12:76,346,383-76,346,386, AGTT deleted on the plus strand (AACT on the coding strand, the reverse complement: BBS10 is on the minus strand); deleting any 4 consecutive bases within chr12:76,346,383-76,346,388 gives the same sequence; the c. name uses the placement nearest the transcript's 3' end. VCF-style (leftmost placement, unchanged base first): chr12-76346382-CAGTT-C. GRCh37 (hg19) VCF-style: chr12-76740162-CAGTT-C.
Other names: c.1599_1602del, p.Thr534fs (LRG_1255t1); c.1599_1602del (NM_024685.3); short protein forms T534fs.
Identifiers: ClinVar variation 188992 (VCV000188992.24), dbSNP rs770556842, ClinGen allele CA274224.

ClinVar aggregate classification (germline): Pathogenic. Review status: criteria provided, multiple submitters, no conflicts (2 of 4 stars). 7 submissions from 7 submitters: Pathogenic (5). 2 of the submissions do not count toward it. Last evaluated 2025-03-10.

Conditions:
BBS10-related disorder. Also called: BBS10-related condition.
Bardet-Biedl syndrome (BBS). Identifiers: Orphanet 110, MedGen C0752166, MONDO:0015229.
Bardet-Biedl syndrome 10 (BBS10). Identifiers: Orphanet 110, MedGen C1859568, MONDO:0014438, OMIM 615987.

Submissions (7):

Natera, Inc.
Classification: Pathogenic for Bardet-Biedl syndrome type 10. Last evaluated: 2025-03-10. Review status: criteria provided, single submitter. Criteria: Natera Variant Classification Schema (03/2026). Collection method: clinical testing. Allele origin: germline.
Comment: The c.1599_1602delAACT variant in BBS10 is a frameshift variant predicted to shift the reading frame beginning at codon 534 and leads to a stop codon 21 codons downstream. This variant is expected to result in nonsense mediated decay, truncation, or a dysfunctional protein product. This variant is rare in the general population with a frequency below the threshold expected for the associated phenotype(s). This variant has been observed in one or more individuals affected with the associated recessive disease, as either homozygous or compound heterozygous with a second variant (PMID: 20177705, 37431782). Given the available evidence, this variant is classified as Pathogenic.

Revvity Omics, Revvity
Classification: Pathogenic for Bardet-Biedl syndrome 10. Last evaluated: 2022-10-20. Review status: criteria provided, single submitter. Criteria: ACMG Guidelines, 2015. Collection method: clinical testing. Allele origin: germline.

Women's Health and Genetics/Laboratory Corporation of America, LabCorp
Classification: Pathogenic for Bardet-Biedl syndrome. Last evaluated: 2021-10-17. Review status: criteria provided, single submitter. Criteria: LabCorp Variant Classification Summary - May 2015. Collection method: clinical testing. Allele origin: germline.
Comment: Variant summary: BBS10 c.1599_1602delAACT (p.Thr534IlefsX21) results in a premature termination codon, predicted to cause a truncation of the encoded protein or absence of the protein due to nonsense mediated decay, which are commonly known mechanisms for disease. Truncations downstream of this position have been classified as pathogenic by our laboratory. The variant allele was found at a frequency of 7.9e-06 in 251708 control chromosomes. c.1599_1602delAACT has been reported in the literature in individuals affected with Bardet-Biedl Syndrome (example, Alvarez-Satta_2014, Chen_2011, Muller_2010). These data indicate that the variant is likely to be associated with disease. To our knowledge, no experimental evidence demonstrating an impact on protein function has been reported. One clinical diagnostic laboratory has submitted clinical-significance assessments for this variant to ClinVar after 2014 without evidence for independent evaluation and classified the variant as pathogenic. Based on the evidence outlined above, the variant was classified as pathogenic.

Labcorp Genetics (formerly Invitae), Labcorp
Classification: Pathogenic for Bardet-Biedl syndrome. Last evaluated: 2019-08-18. Review status: criteria provided, single submitter. Criteria: Invitae Variant Classification Sherloc (09022015). Collection method: clinical testing. Allele origin: germline.
Comment: This variant has been observed in several individuals affected with Bardet-Biedl syndrome (PMID: 20177705, 24611592, 21642631). ClinVar contains an entry for this variant (Variation ID: 188992). This sequence change results in a premature translational stop signal in the BBS10 gene (p.Thr534Ilefs*21). While this is not anticipated to result in nonsense mediated decay, it is expected to disrupt the last 190 amino acids of the BBS10 protein. This variant is present in population databases (rs770556842, ExAC 0.001%). This variant disrupts the C-terminus of the BBS10 protein. Other variant(s) that disrupt this region (p.Tyr559*) have been determined to be pathogenic (PMID:20472660, 27788217, 28808579). This suggests that variants that disrupt this region of the protein are likely to be causative of disease. For these reasons, this variant has been classified as Pathogenic.

SN ONGC Dept of Genetics and Molecular biology Vision Research Foundation
Classification: Pathogenic for Bardet-Biedl syndrome. Review status: criteria provided, single submitter. Criteria: ACMG Guidelines, 2015. Collection method: research. Allele origin: inherited. Affected: yes.
Comment: This variant was observed in compound heterozygosity with variant NC_000012.11:g.76741496dup

PreventionGenetics, part of Exact Sciences
Classification: Pathogenic for BBS10-related condition. Last evaluated: 2023-12-29. Review status: no assertion criteria provided. Collection method: clinical testing. Allele origin: germline. Not counted in ClinVar's aggregate classification.
Comment: The BBS10 c.1599_1602delAACT variant is predicted to result in a frameshift and premature protein termination (p.Thr534Ilefs*21). This variant was reported in individuals with Bardet-Biedl syndrome (Muller et al. 2010. PubMed ID: 20177705; Álvarez-Satta et al. 2014. PubMed ID: 24611592; Chen et al. 2011. PubMed ID: 21642631). This variant is reported in 0.0029% of alleles in individuals of Latino descent in gnomAD. Frameshift variants in BBS10 are expected to be pathogenic. This variant is interpreted as pathogenic.

Counsyl
Classification: Likely pathogenic for Bardet-Biedl syndrome 10. Last evaluated: 2014-09-29. Review status: no assertion criteria provided. Collection method: literature only. Allele origin: unknown. Inheritance: Autosomal recessive inheritance. Not counted in ClinVar's aggregate classification.

Literature cited by the submitters: PubMed 20177705 (cited by 4 submitters); PubMed 37431782 (cited by Natera, Inc.); PubMed 24611592 (cited by 3 submitters); PubMed 21642631 (cited by 3 submitters); PubMed 20472660 (cited by Labcorp Genetics (formerly Invitae), Labcorp); PubMed 27788217 (cited by Labcorp Genetics (formerly Invitae), Labcorp); PubMed 28808579 (cited by Labcorp Genetics (formerly Invitae), Labcorp).